The following is an entry in ClinVar:

ClinVar aggregate classification (germline): Uncertain significance (1 of 4 stars; one submission).

Conditions:
Christianson syndrome (MRXSCH). Also called: X-linked mental retardation, syndromic, Christianson type; SLC9A6-Related Syndromic Mental Retardation; INTELLECTUAL DEVELOPMENTAL DISORDER, X-LINKED, SYNDROMIC, CHRISTIANSON TYPE. Identifiers: Orphanet 85278, MedGen C2678194, MONDO:0010278, OMIM 300243.

gnomAD v4.1: 1 of 1,208,998 alleles (0.000083%); highest among the groups gnomAD compares: Non-Finnish European, 0.00011%; no homozygotes.

Submission:

Labcorp Genetics (formerly Invitae), Labcorp
Classification: Uncertain significance for Christianson syndrome. Last evaluated: 2025-03-31. Review status: criteria provided, single submitter. Criteria: Invitae Variant Classification Sherloc (09022015). Collection method: clinical testing. Allele origin: germline.
Comment: This sequence change replaces asparagine, which is neutral and polar, with aspartic acid, which is acidic and polar, at codon 659 of the SLC9A6 protein (p.Asn659Asp). This variant is not present in population databases (gnomAD no frequency). This variant has not been reported in the literature in individuals affected with SLC9A6-related conditions. An algorithm developed to predict the effect of missense changes on protein structure and function (PolyPhen-2) suggests that this variant is likely to be tolerated. In summary, the available evidence is currently insufficient to determine the role of this variant in disease. Therefore, it has been classified as a Variant of Uncertain Significance.

NM_001379110.1(SLC9A6):c.2005A>G (p.Asn669Asp)

Gene: SLC9A6 (solute carrier family 9 member A6; plus strand). Cytogenetic location: Xq26.3.
Variant type: single nucleotide variant.
Coding change: c.2005A>G on transcript NM_001379110.1 (MANE Select); coding-DNA position 2005, A replaced by G.
Protein change: p.Asn669Asp; replaces asparagine 669 with aspartic acid.
Molecular consequence: missense variant.
Genome position (GRCh38, 1-based): chrX:136,044,689, A>G. VCF-style: chrX-136044689-A-G. GRCh37 (hg19) VCF-style: chrX-135126848-A-G.
Other names: c.1915A>G, p.Asn639Asp (NM_001400911.1, NM_001400912.1, NM_001177651.2 and 2 more transcripts); c.1819A>G, p.Asn607Asp (NM_001400913.1, NM_001330652.2); c.2161A>G, p.Asn721Asp (NM_001438742.1); c.1975A>G, p.Asn659Asp (NM_006359.3); c.2071A>G, p.Asn691Asp (NM_001042537.2); short protein forms N639D, N691D, N659D, N669D, N721D, N607D.
Identifiers: ClinVar variation 4751621 (VCV004751621.1).
Genomic context (GRCh38, chrX:136,044,689, plus strand): 5'-GAACTGGTCATTCGAGGAACACGCCTGGTTCTTCCAATGGATGATTCTGAACCCCCGCTA[A>G]ATTTGTTAGATAATACGAGACATGGTCCAGCCTAAGCTTACTAATACTCACTTAGTGATT-3'
Protein context (NP_001366039.1, residues 659-679): LPMDDSEPPL[Asn669Asp]LLDNTRHGPA